The following is an entry in ClinVar:

NM_002471.4(MYH6):c.5645G>T (p.Arg1882Leu)

Gene: MYH6 (myosin heavy chain 6; minus strand). Cytogenetic location: 14q11.2.
Variant type: single nucleotide variant.
Coding change: c.5645G>T on transcript NM_002471.4 (MANE Select); coding-DNA position 5645, G replaced by T.
Protein change: p.Arg1882Leu; replaces arginine 1882 with leucine.
Molecular consequence: missense variant.
Genome position (GRCh38, 1-based): chr14:23,383,241, C>A on the plus strand (G>T on the coding strand, the complement: MYH6 is on the minus strand). VCF-style: chr14-23383241-C-A. GRCh37 (hg19) VCF-style: chr14-23852450-C-A.
Other names: short protein forms R1882L.
Identifiers: ClinVar variation 3342285 (VCV003342285.1).

ClinVar aggregate classification (germline): Uncertain significance (1 of 4 stars; one submission).

Conditions:
Hypertrophic cardiomyopathy 14. Identifiers: MedGen C2750467, MONDO:0013197, OMIM 613251.

gnomAD v4.1: 3 of 1,551,692 alleles (0.00019%); highest among the groups gnomAD compares: African/African-American, 0.0014%; no homozygotes.

Submission:

MVZ Medizinische Genetik Mainz
Classification: Uncertain significance for Hypertrophic cardiomyopathy 14. Last evaluated: 2024-09-04. Review status: criteria provided, single submitter. Criteria: UK Practice Guidelines For Variant Classification V4 01 2020. Collection method: clinical testing. Allele origin: germline. Inheritance: Autosomal dominant inheritance. Affected: yes. Observed: 1 variant allele.
Comment: ACMG Criteria: PP3_MOD,PM2_SUP